The following is an entry in ClinVar:

ClinVar aggregate classification (germline): Benign (1 of 4 stars; one submission).

Allele frequency attached by ClinVar (database versions not stated): 1000 Genomes Project 0.03235; 1000 Genomes Project 30x 0.03357; TOPMed 0.04407; gnomAD 0.04959 and 0.04984.
gnomAD v4.1: 7,206 of 145,888 alleles (4.9%); highest among the groups gnomAD compares: Non-Finnish European, 6.2%; 190 homozygotes.

Submission:

GeneDx
Classification: Benign. Last evaluated: 2018-06-16. Review status: criteria provided, single submitter. Criteria: GeneDx Variant Classification (06012015). Collection method: clinical testing. Allele origin: germline. Affected: yes.
Comment: This variant is considered likely benign or benign based on one or more of the following criteria: it is a conservative change, it occurs at a poorly conserved position in the protein, it is predicted to be benign by multiple in silico algorithms, and/or has population frequency not consistent with disease.

NM_001035.3(RYR2):c.14090+217T>C

Gene: RYR2 (ryanodine receptor 2; plus strand). Cytogenetic location: 1q43.
Variant type: single nucleotide variant.
Coding change: c.14090+217T>C on transcript NM_001035.3 (MANE Select); 217 bases into the intron after coding-DNA position 14090, T replaced by C.
Molecular consequence: intron variant.
Genome position (GRCh38, 1-based): chr1:237,798,387, T>C. VCF-style: chr1-237798387-T-C. GRCh37 (hg19) VCF-style: chr1-237961687-T-C.
Identifiers: ClinVar variation 673142 (VCV000673142.1), dbSNP rs72753220, ClinGen allele CA39838329.